The following is an entry in ClinVar:

NM_001261826.3(AP3D1):c.3182C>G (p.Ser1061Cys)

Gene: AP3D1 (adaptor related protein complex 3 subunit delta 1; minus strand). Cytogenetic location: 19p13.3.
Variant type: single nucleotide variant.
Coding change: c.3182C>G on transcript NM_001261826.3 (MANE Select); coding-DNA position 3182, C replaced by G.
Protein change: p.Ser1061Cys; replaces serine 1061 with cysteine.
Molecular consequence: missense variant.
Genome position (GRCh38, 1-based): chr19:2,110,218, G>C on the plus strand (C>G on the coding strand, the complement: AP3D1 is on the minus strand). VCF-style: chr19-2110218-G-C. GRCh37 (hg19) VCF-style: chr19-2110217-G-C.
Other names: c.2996C>G, p.Ser999Cys (NM_003938.8); c.3146C>G, p.Ser1049Cys (NM_001374799.1); short protein forms S1049C, S1061C, S999C.
Identifiers: ClinVar variation 2868894 (VCV002868894.3), dbSNP rs2512129255, ClinGen allele CA403201925.
Genomic context (GRCh38, chr19:2,110,218, plus strand): 5'-CCCTTGAGCTTCTGCGCCATGACGATGCTCTGGATGGTGAACACATACTGGGCTTCGTTG[G>C]AGACGCCTGGCGGGGGCGAGAGGGAGTGGGGCCTGAGACGCTGCGGGGGCTCAGCATGGG-3'
Protein context (NP_001248755.1, residues 1051-1071): PVPFQLPPGV[Ser1061Cys]NEAQYVFTIQ

ClinVar aggregate classification (germline): Uncertain significance (1 of 4 stars; one submission).

Allele frequency attached by ClinVar (database versions not stated): gnomAD exomes below 0.00001.
gnomAD v4.1: 1 of 1,611,824 alleles (0.000062%); highest among the groups gnomAD compares: South Asian, 0.0011%; no homozygotes.

Submission:

Labcorp Genetics (formerly Invitae), Labcorp
Classification: Uncertain significance. Last evaluated: 2024-04-02. Review status: criteria provided, single submitter. Criteria: Invitae Variant Classification Sherloc (09022015). Collection method: clinical testing. Allele origin: germline.
Comment: This sequence change replaces serine, which is neutral and polar, with cysteine, which is neutral and slightly polar, at codon 1061 of the AP3D1 protein (p.Ser1061Cys). This variant is not present in population databases (gnomAD no frequency). This variant has not been reported in the literature in individuals affected with AP3D1-related conditions. An algorithm developed to predict the effect of missense changes on protein structure and function (PolyPhen-2) suggests that this variant is likely to be tolerated. In summary, the available evidence is currently insufficient to determine the role of this variant in disease. Therefore, it has been classified as a Variant of Uncertain Significance.